The following is an entry in ClinVar:

ClinVar aggregate classification (germline): Uncertain significance. Review status: criteria provided, multiple submitters, no conflicts (2 of 4 stars). 2 submissions from 2 submitters: Uncertain significance (2). Last evaluated 2025-09-03.

Conditions:
Inborn genetic diseases. Identifiers: MedGen C0950123, MeSH D030342.

gnomAD v4.1: 40 of 1,613,490 alleles (0.0025%); highest among the groups gnomAD compares: Non-Finnish European, 0.0033%; no homozygotes.

Submissions (2):

Labcorp Genetics (formerly Invitae), Labcorp
Classification: Uncertain significance. Last evaluated: 2025-09-03. Review status: criteria provided, single submitter. Criteria: Invitae Variant Classification Sherloc (09022015). Collection method: clinical testing. Allele origin: germline.
Comment: This sequence change replaces glutamic acid, which is acidic and polar, with lysine, which is basic and polar, at codon 1364 of the LRP6 protein (p.Glu1364Lys). This variant is present in population databases (rs764582341, gnomAD 0.003%). This variant has not been reported in the literature in individuals affected with LRP6-related conditions. ClinVar contains an entry for this variant (Variation ID: 3868235). An algorithm developed to predict the effect of missense changes on protein structure and function (PolyPhen-2) suggests that this variant is likely to be tolerated. In summary, the available evidence is currently insufficient to determine the role of this variant in disease. Therefore, it has been classified as a Variant of Uncertain Significance.

Ambry Genetics
Classification: Uncertain significance for Inborn genetic diseases. Last evaluated: 2025-01-20. Review status: criteria provided, single submitter. Criteria: Ambry Variant Classification Scheme 2023. Collection method: clinical testing. Allele origin: germline.

NM_002336.3(LRP6):c.4090G>A (p.Glu1364Lys)

Gene: LRP6 (LDL receptor related protein 6; minus strand). Cytogenetic location: 12p13.2.
Variant type: single nucleotide variant.
Coding change: c.4090G>A on transcript NM_002336.3 (MANE Select); coding-DNA position 4090, G replaced by A.
Protein change: p.Glu1364Lys; replaces glutamic acid 1364 with lysine.
Molecular consequence: missense variant. On other transcripts: non-coding transcript variant (1).
Genome position (GRCh38, 1-based): chr12:12,126,913, C>T on the plus strand (G>A on the coding strand, the complement: LRP6 is on the minus strand). VCF-style: chr12-12126913-C-T. GRCh37 (hg19) VCF-style: chr12-12279847-C-T.
Other names: c.4183G>A, p.Glu1395Lys (NM_001414244.1); c.4090G>A, p.Glu1364Lys (NM_001414245.1, NM_001414248.1, NM_001414249.1 and 1 more transcripts); c.3955G>A, p.Glu1319Lys (NM_001414246.1); c.3892G>A, p.Glu1298Lys (NM_001414247.1); c.3727G>A, p.Glu1243Lys (NM_001414251.1); c.3637G>A, p.Glu1213Lys (NM_001414252.1, NM_001414253.1, NM_001414254.1); c.3583G>A, p.Glu1195Lys (NM_001414255.1); short protein forms E1213K, E1319K, E1364K, E1195K, E1243K, E1395K, E1298K.
Identifiers: ClinVar variation 3868235 (VCV003868235.2).